The following is an entry in ClinVar:

NM_022051.3(EGLN1):c.443A>G (p.Glu148Gly)

Gene: EGLN1 (egl-9 family hypoxia inducible factor 1; minus strand). Cytogenetic location: 1q42.2.
Variant type: single nucleotide variant.
Coding change: c.443A>G on transcript NM_022051.3 (MANE Select); coding-DNA position 443, A replaced by G.
Protein change: p.Glu148Gly; replaces glutamic acid 148 with glycine.
Molecular consequence: missense variant.
Genome position (GRCh38, 1-based): chr1:231,421,446, T>C on the plus strand (A>G on the coding strand, the complement: EGLN1 is on the minus strand). VCF-style: chr1-231421446-T-C. GRCh37 (hg19) VCF-style: chr1-231557192-T-C.
Other names: c.443A>G, p.Glu148Gly (NM_001377260.1, NM_001377261.1); short protein forms E148G.
Identifiers: ClinVar variation 3227718 (VCV003227718.1), dbSNP rs1656596399, ClinGen allele CA345236983.

ClinVar aggregate classification (germline): Uncertain significance (1 of 4 stars; one submission).

Submission:

Ambry Genetics
Classification: Uncertain significance. Last evaluated: 2024-03-04. Review status: criteria provided, single submitter. Criteria: Ambry Variant Classification Scheme 2023. Collection method: clinical testing. Allele origin: germline.
Comment: The p.E148G variant (also known as c.443A>G), located in coding exon 1 of the EGLN1 gene, results from an A to G substitution at nucleotide position 443. The glutamic acid at codon 148 is replaced by glycine, an amino acid with similar properties. This amino acid position is conserved. In addition, this alteration is predicted to be tolerated by in silico analysis. Based on the available evidence, the clinical significance of this alteration remains unclear.